The following is an entry in ClinVar:

ClinVar aggregate classification (germline): Pathogenic. Review status: criteria provided, single submitter (1 of 4 stars). 2 submissions from 2 submitters: Pathogenic (1). 1 of the submissions does not count toward it. Last evaluated 2019-09-14.

Conditions:
Sensory ataxic neuropathy, dysarthria, and ophthalmoparesis (SANDO). Also called: Ataxia Neuropathy Spectrum (ANS); SENSORY ATAXIC NEUROPATHY WITH MITOCHONDRIAL DNA DELETIONS, AUTOSOMAL RECESSIVE; Sensory ataxic neuropathy-dysarthria-ophthalmoparesis syndrome; Epilepsy, progressive myoclonic, type 5. Identifiers: Orphanet 70595, MedGen C1843851, MONDO:0011835, OMIM 607459.
Progressive sclerosing poliodystrophy (MTDPS4A). Also called: NEURONAL DEGENERATION OF CHILDHOOD WITH LIVER DISEASE, PROGRESSIVE; ALPERS PROGRESSIVE INFANTILE POLIODYSTROPHY; Mitochondrial DNA Depletion Syndrome 4A; Alpers-Huttenlocher Syndrome (AHS); Alpers Syndrome; ALPERS DIFFUSE DEGENERATION OF CEREBRAL GRAY MATTER WITH HEPATIC CIRRHOSIS. Identifiers: Orphanet 726, MedGen C0205710, MONDO:0008758, OMIM 203700.

Allele frequency attached by ClinVar (database versions not stated): gnomAD exomes below 0.00001.
gnomAD v4.1: 1 of 1,612,794 alleles (0.000062%); highest among the groups gnomAD compares: Non-Finnish European, 0.000085%; no homozygotes.

Submissions (2):

Labcorp Genetics (formerly Invitae), Labcorp
Classification: Pathogenic for Progressive sclerosing poliodystrophy. Last evaluated: 2019-09-14. Review status: criteria provided, single submitter. Criteria: Invitae Variant Classification Sherloc (09022015). Collection method: clinical testing. Allele origin: germline.
Comment: This sequence change affects an acceptor splice site in intron 6 of the POLG gene. It is expected to disrupt RNA splicing and likely results in an absent or disrupted protein product. This variant is not present in population databases (ExAC no frequency). Disruption of this splice site has been observed in an individual affected with POLG-related conditions (PMID: 21235791). Experimental studies have shown that disruption of this splice site disrupts mRNA splicing (PMID: 21235791). Donor and acceptor splice site variants typically lead to a loss of protein function (PMID: 16199547), and loss-of-function variants in POLG are known to be pathogenic (PMID: 18546365). For these reasons, this variant has been classified as Pathogenic.

Solve-RD Consortium
Classification: Likely pathogenic for Sensory ataxic neuropathy, dysarthria, and ophthalmoparesis. Last evaluated: 2022-06-01. Review status: no assertion criteria provided. Collection method: provider interpretation. Allele origin: inherited. Affected: yes. Not counted in ClinVar's aggregate classification.
Comment: Variant confirmed as disease-causing by referring clinical team

Variant identified during reanalysis of unsolved cases by the Solve-RD project. The Solve-RD project has received funding from the European Union’s Horizon 2020 research and innovation programme under grant agreement No 779257.

Literature cited by the submitters: PubMed 21235791 (cited by Labcorp Genetics (formerly Invitae), Labcorp); PubMed 16199547 (cited by Labcorp Genetics (formerly Invitae), Labcorp); PubMed 18546365 (cited by Labcorp Genetics (formerly Invitae), Labcorp); PubMed 39825153 (cited by Solve-RD Consortium).

NM_002693.3(POLG):c.1251-2A>G

Gene: POLG (DNA polymerase gamma, catalytic subunit; minus strand). Cytogenetic location: 15q26.1.
Variant type: single nucleotide variant.
Coding change: c.1251-2A>G on transcript NM_002693.3 (MANE Select); the canonical splice acceptor site of the intron before coding-DNA position 1251, A replaced by G.
Molecular consequence: splice acceptor variant.
Genome position (GRCh38, 1-based): chr15:89,327,351, T>C on the plus strand (A>G on the coding strand, the complement: POLG is on the minus strand). VCF-style: chr15-89327351-T-C. GRCh37 (hg19) VCF-style: chr15-89870582-T-C.
Other names: c.1251-2A>G (NM_001126131.2).
Identifiers: ClinVar variation 933883 (VCV000933883.9), dbSNP rs2055536585, ClinGen allele CA393762953.